The following is an entry in ClinVar:

NM_021098.3(CACNA1H):c.2443C>T (p.His815Tyr)

Gene: CACNA1H (calcium voltage-gated channel subunit alpha1 H; plus strand). Cytogenetic location: 16p13.3.
Variant type: single nucleotide variant.
Coding change: c.2443C>T on transcript NM_021098.3 (MANE Select); coding-DNA position 2443, C replaced by T.
Protein change: p.His815Tyr; replaces histidine 815 with tyrosine.
Molecular consequence: missense variant.
Genome position (GRCh38, 1-based): chr16:1,204,450, C>T. VCF-style: chr16-1204450-C-T. GRCh37 (hg19) VCF-style: chr16-1254450-C-T.
Other names: c.2443C>T, p.His815Tyr (NM_001005407.2); short protein forms H815Y.
Identifiers: ClinVar variation 2938809 (VCV002938809.3), dbSNP rs2548660765, ClinGen allele CA394166649.

ClinVar aggregate classification (germline): Uncertain significance (1 of 4 stars; one submission).

Conditions:
Hyperaldosteronism, familial, type IV (HALD4). Also called: FH IV; ALDOSTERONISM, PRIMARY, AND HYPERTENSION. Identifiers: Orphanet 642671, MedGen C4310756, MONDO:0014875, OMIM 617027.
Idiopathic generalized epilepsy. Also called: EIG; Generalised epilepsy. Identifiers: MedGen C0270850, MONDO:0005579, OMIM 600669.

Allele frequency attached by ClinVar (database versions not stated): gnomAD exomes below 0.00001.
gnomAD v4.1: 1 of 1,533,146 alleles (0.000065%); highest among the groups gnomAD compares: Non-Finnish European, 0.000088%; no homozygotes.

Submission:

Labcorp Genetics (formerly Invitae), Labcorp
Classification: Uncertain significance for Idiopathic generalized epilepsy; Hyperaldosteronism, familial, type IV. Last evaluated: 2023-02-23. Review status: criteria provided, single submitter. Criteria: Invitae Variant Classification Sherloc (09022015). Collection method: clinical testing. Allele origin: germline.
Comment: This variant has not been reported in the literature in individuals affected with CACNA1H-related conditions. In summary, the available evidence is currently insufficient to determine the role of this variant in disease. Therefore, it has been classified as a Variant of Uncertain Significance. Advanced modeling of protein sequence and biophysical properties (such as structural, functional, and spatial information, amino acid conservation, physicochemical variation, residue mobility, and thermodynamic stability) performed at Invitae indicates that this missense variant is expected to disrupt CACNA1H protein function. This variant is not present in population databases (gnomAD no frequency). This sequence change replaces histidine, which is basic and polar, with tyrosine, which is neutral and polar, at codon 815 of the CACNA1H protein (p.His815Tyr).